The following is an entry in ClinVar:

ClinVar aggregate classification (germline): Benign. Review status: criteria provided, multiple submitters, no conflicts (2 of 4 stars). 3 submissions from 3 submitters: Benign (2). 1 of the submissions does not count toward it. Last evaluated 2026-01-21.

Conditions:
Emery-Dreifuss muscular dystrophy 5, autosomal dominant (EDMD5). Also called: EMERY-DREIFUSS MUSCULAR DYSTROPHY 5. Identifiers: Orphanet 261, MedGen C2751805, MONDO:0013072, OMIM 612999.
SYNE2-related disorder. Also called: SYNE2-related condition.

Allele frequency attached by ClinVar (database versions not stated): gnomAD exomes 0.00044 and 0.00125; ExAC 0.00165; gnomAD 0.00487 and 0.00513; TOPMed 0.00520; ESP Exome Variant Server 0.00534; 1000 Genomes Project 0.00699; 1000 Genomes Project 30x 0.00750.
gnomAD v4.1: 1,426 of 1,613,990 alleles (0.088%); highest among the groups gnomAD compares: African/African-American, 1.7%; 12 homozygotes.

Submissions (3):

Labcorp Genetics (formerly Invitae), Labcorp
Classification: Benign for Emery-Dreifuss muscular dystrophy 5, autosomal dominant. Last evaluated: 2026-01-21. Review status: criteria provided, single submitter. Criteria: Invitae Variant Classification Sherloc (09022015). Collection method: clinical testing. Allele origin: germline.

Breakthrough Genomics
Classification: Benign. Review status: criteria provided, single submitter. Criteria: ACMG Guidelines, 2015. Collection method: not provided. Allele origin: germline. Inheritance: Autosomal dominant inheritance. Affected: yes.

PreventionGenetics, part of Exact Sciences
Classification: Benign for SYNE2-related condition. Last evaluated: 2019-04-05. Review status: no assertion criteria provided. Collection method: clinical testing. Allele origin: germline. Not counted in ClinVar's aggregate classification.
Comment: This variant is classified as benign based on ACMG/AMP sequence variant interpretation guidelines (Richards et al. 2015 PMID: 25741868, with internal and published modifications).

NM_182914.3(SYNE2):c.7096T>C (p.Ser2366Pro)

Gene: SYNE2 (spectrin repeat containing nuclear envelope protein 2; plus strand). Cytogenetic location: 14q23.2.
Variant type: single nucleotide variant.
Coding change: c.7096T>C on transcript NM_182914.3 (MANE Select); coding-DNA position 7096, T replaced by C.
Protein change: p.Ser2366Pro; replaces serine 2366 with proline.
Molecular consequence: missense variant.
Genome position (GRCh38, 1-based): chr14:64,031,232, T>C. VCF-style: chr14-64031232-T-C. GRCh37 (hg19) VCF-style: chr14-64497950-T-C.
Other names: c.7096T>C, p.Ser2366Pro (NM_015180.6); short protein forms S2366P.
Identifiers: ClinVar variation 538366 (VCV000538366.15), dbSNP rs35444312, ClinGen allele CA7220848.